The following is an entry in ClinVar:

NC_000005.10:g.(?_112827923)_(112844132_?)del

Gene: APC (APC regulator of Wnt signaling pathway; plus strand). Cytogenetic location: 5q22.2.
Variant type: Deletion.
Identifiers: ClinVar variation 469693 (VCV000469693.1).

ClinVar aggregate classification (germline): Pathogenic (1 of 4 stars; one submission).

Conditions:
Familial adenomatous polyposis 1 (FAP1). Also called: POLYPOSIS, ADENOMATOUS INTESTINAL; FAMILIAL ADENOMATOUS POLYPOSIS 1, ATTENUATED. Identifiers: MedGen C2713442, MONDO:0021056, OMIM 175100. Disease mechanism: loss of function.

Submission:

Labcorp Genetics (formerly Invitae), Labcorp
Classification: Pathogenic for Familial adenomatous polyposis 1. Last evaluated: 2017-05-04. Review status: criteria provided, single submitter. Criteria: Invitae Variant Classification Sherloc (09022015). Collection method: clinical testing. Allele origin: germline.
Comment: This variant is a gross deletion of the genomic region encompassing exons 13-16 of the APC gene. The 5' boundary is likely confined to intron 12. The 3' end of this event is unknown as it extends through the termination codon beyond the assayed region for this gene and may encompass additional genes. While this deletion is not anticipated to result in nonsense mediated decay, it is expected to create a truncated protein product or disrupt mRNA translation. While this particular variant has not been reported in the literature, loss-of-function variants in APC are known to be pathogenic (PMID: 20685668, 17963004). Multiple missense and truncating variants have been reported in the C-terminal region of the APC gene and have been determined to be pathogenic (PMID: 15311282, 17293347,Â¬â€ 1316610, 8381579, 9824584, 22135120). This variant deletes the C-terminus of the APC protein, which mediates interactions with the cytoskeleton and is well known to be important for APC protein function (PMID: 15311282, 17293347). For these reasons, this variant has been classified as Pathogenic.